The following is an entry in ClinVar:

NM_000540.3(RYR1):c.13896C>T (p.Phe4632=)

Gene: RYR1 (ryanodine receptor 1; plus strand). Cytogenetic location: 19q13.2.
Variant type: single nucleotide variant.
Coding change: c.13896C>T on transcript NM_000540.3 (MANE Select); coding-DNA position 13896, C replaced by T.
Protein change: p.Phe4632=; no amino-acid change (phenylalanine 4632 retained).
Molecular consequence: synonymous variant.
Genome position (GRCh38, 1-based): chr19:38,572,168, C>T. VCF-style: chr19-38572168-C-T. GRCh37 (hg19) VCF-style: chr19-39062808-C-T.
Other names: c.13881C>T, p.Phe4627= (NM_001042723.2).
Identifiers: ClinVar variation 2741488 (VCV002741488.6), dbSNP rs2514712968, ClinGen allele CA507356130.

ClinVar aggregate classification (germline): Likely benign. Review status: criteria provided, multiple submitters, no conflicts (2 of 4 stars). 3 submissions from 3 submitters: Likely benign (3). Last evaluated 2024-09-13.

Conditions:
Malignant hyperthermia, susceptibility to, 1 (MHS1). Also called: RYR1-Related Malignant Hyperthermia Susceptibility; Malignant hyperthermia suceptibility 1; Anesthesia related hyperthermia; Malignant hyperpyrexia; Fulminating hyperpyrexia; Pharmacogenic myopathy. Identifiers: Orphanet 423, MedGen C2930980, MONDO:0007783, OMIM 145600.
RYR1-related disorder. Also called: RYR1-related disorders; RYR1-related condition. Identifiers: MedGen CN239331.

Submissions (3):

All of Us Research Program, National Institutes of Health
Classification: Likely benign for Malignant hyperthermia, susceptibility to, 1. Last evaluated: 2024-09-13. Review status: criteria provided, single submitter. Criteria: ACMG Guidelines, 2015. Collection method: clinical testing. Allele origin: germline. Inheritance: Autosomal dominant inheritance. Observed: 3 variant alleles, 3 heterozygotes.
Comment: This study involves interpretation of variants in research participants for the purpose of population health screening. Participant phenotype was not available at the time of variant classification. Additional details can be found in publication PMID: 35346344, PMCID: PMC8962531

Color Diagnostics, LLC DBA Color Health
Classification: Likely benign for Malignant hyperthermia, susceptibility to, 1. Last evaluated: 2023-06-14. Review status: criteria provided, single submitter. Criteria: ACMG Guidelines, 2015. Collection method: clinical testing. Allele origin: germline.

Labcorp Genetics (formerly Invitae), Labcorp
Classification: Likely benign for RYR1-related disorder. Last evaluated: 2023-03-21. Review status: criteria provided, single submitter. Criteria: Invitae Variant Classification Sherloc (09022015). Collection method: clinical testing. Allele origin: germline.